The following is an entry in ClinVar:

ClinVar aggregate classification (germline): Likely benign (1 of 4 stars; one submission).

Submission:

GeneDx
Classification: Likely benign. Last evaluated: 2018-06-14. Review status: criteria provided, single submitter. Criteria: GeneDx Variant Classification (06012015). Collection method: clinical testing. Allele origin: germline. Affected: yes.
Comment: This variant is considered likely benign or benign based on one or more of the following criteria: it is a conservative change, it occurs at a poorly conserved position in the protein, it is predicted to be benign by multiple in silico algorithms, and/or has population frequency not consistent with disease.

NM_005633.4(SOS1):c.87+88del

Genes: SOS1 (SOS Ras/Rac guanine nucleotide exchange factor 1; minus strand), LOC129933535 (ATAC-STARR-seq lymphoblastoid silent region 11384; plus strand). Cytogenetic location: 2p22.1.
Variant type: Deletion.
Coding change: c.87+88del on transcript NM_005633.4 (MANE Select); 88 bases into the intron after coding-DNA position 87, one base deleted (G; older notation c.87+88delG).
Molecular consequence: intron variant.
Genome position (GRCh38, 1-based): chr2:39,120,248, C deleted on the plus strand (G on the coding strand, the reverse complement: SOS1 is on the minus strand); the first of 3 consecutive C bases (chr2:39,120,248-39,120,250); deleting any one gives the same sequence. VCF-style (leftmost placement, unchanged base first): chr2-39120247-GC-G. GRCh37 (hg19) VCF-style: chr2-39347388-GC-G.
Other names: c.66+4416del (NM_001382394.1); c.87+88del (NM_001382395.1); c.87+88delG (NM_005633.3).
Identifiers: ClinVar variation 561375 (VCV000561375.1), dbSNP rs56263073, ClinGen allele CA46021990.
Genomic context (GRCh38, chr2:39,120,247, plus strand): 5'-GGGGGGCCTCTCCGTGTGCGCCGTCCTTTTGGAGACGCGGCGAGACCGGGAAGAAAGACG[GC>G]CCTGCGCGCGCCCCGCCTCCCCAGCCCTTCCCCAGCGCCCGCGCTGGGGGGCTGCGGCCG-3'